The following is an entry in ClinVar:

NM_005629.4(SLC6A8):c.1008C>T (p.Asn336=)

Gene: SLC6A8 (solute carrier family 6 member 8; plus strand). Cytogenetic location: Xq28.
Variant type: single nucleotide variant.
Coding change: c.1008C>T on transcript NM_005629.4 (MANE Select); coding-DNA position 1008, C replaced by T.
Protein change: p.Asn336=; no amino-acid change (asparagine 336 retained).
Molecular consequence: synonymous variant.
Genome position (GRCh38, 1-based): chrX:153,693,358, C>T. VCF-style: chrX-153693358-C-T. GRCh37 (hg19) VCF-style: chrX-152958813-C-T.
Other names: NM_005629.4(SLC6A8):c.1008C>T; p.Asn336=; c.1008C>T, p.Asn336= (NM_001142805.2); c.663C>T, p.Asn221= (NM_001142806.1).
Identifiers: ClinVar variation 1138356 (VCV001138356.19), dbSNP rs782239150, ClinGen allele CA10549373.
Genomic context (GRCh38, chrX:153,693,358, plus strand): 5'-TTACGCCATTGGCCTGGGGGCCCTCACAGCCCTGGGCAGCTACAACCGCTTCAACAACAA[C>T]TGCTACAAGTAAGCACCGCCGCCCTGCCACCCGTGCCCTGTCCTGCCCTGCCCCGCCCTG-3'
Protein context (NP_005620.1, residues 326-346): ALGSYNRFNN[Asn336=]CYKDAIILAL

ClinVar aggregate classification (germline): Likely benign. Review status: reviewed by expert panel (3 of 4 stars). 4 submissions from 4 submitters: Likely benign (1). 3 of the submissions do not count toward it. Last evaluated 2025-04-11.

Conditions:
Creatine transporter deficiency (CCDS1). Also called: Creatine Transporter (CRTR) Deficiency; Mental retardation , X-linked with seizures, short stature and midface hypoplasia; Mental retardation , X-linked, with creatine transport deficiency; X-linked creatine transporter deficiency; X-linked creatine deficiency syndrome; SLC6A8-Related Creatine Transporter Deficiency. Identifiers: Orphanet 52503, MedGen C1845862, MONDO:0010305, OMIM 300352.

Allele frequency attached by ClinVar (database versions not stated): ExAC 0.00001; gnomAD 0.00001; gnomAD exomes 0.00001.

Submissions (4):

ClinGen Cerebral Creatine Deficiency Syndromes Variant Curation Expert Panel, ClinGen
Classification: Likely benign for Creatine transporter deficiency. Last evaluated: 2025-04-11. Review status: reviewed by expert panel. Criteria: ClinGen_CCDS_ACMG_Specifications_SLC6A8_v1.1. Collection method: curation. Allele origin: germline. Inheritance: X-linked inheritance.
Comment: The NM_005629.4:c.1008C>T variant in SLC6A8 is a synonymous variant (p.Asn336=) with no predicted impact on splicing (all SpliceAI scores <0.1) (PMID: 37352859) (BP4, BP7). To our knowledge, this variant has not been reported in the literature and no functional studies are available. In gnomAD V4.1.0. the highest population minor allele frequency (MAF) is 0.00001456 (13/892985; 4 hemizygotes) in the European non-Finnish population. While this MAF meets the threshold for PM2_Supporting, the criterion is not met due to the presence of hemizygotes. There are 4 hemizygotes in the European non-Finnish population (BS2). There is a ClinVar entry for this variant (Variation ID: 1138356). In summary, this variant meets criteria to be classified as likely benign for creatine transporter deficiency. SLC6A8-specific ACMG/AMP criteria applied, as specified by the ClinGen CCDS VCEP (Specifications Version 1.1.0): BS2, BP4, BP7. (Classification approved by the ClinGen CCDS VCEP on April 11, 2025)

CeGaT Center for Human Genetics Tuebingen
Classification: Likely benign. Last evaluated: 2025-09-01. Review status: criteria provided, single submitter. Criteria: CeGaT Center For Human Genetics Tuebingen Variant Classification Criteria Version 2. Collection method: clinical testing. Allele origin: germline. Affected: yes. Observed: 1 variant allele. Not counted in ClinVar's aggregate classification.
Comment: SLC6A8: BP4, BS2

Labcorp Genetics (formerly Invitae), Labcorp
Classification: Likely benign for Creatine transporter deficiency. Last evaluated: 2023-05-22. Review status: criteria provided, single submitter. Criteria: Invitae Variant Classification Sherloc (09022015). Collection method: clinical testing. Allele origin: germline. Not counted in ClinVar's aggregate classification.

GeneDx
Classification: Uncertain significance. Last evaluated: 2020-01-16. Review status: criteria provided, single submitter. Criteria: GeneDx Variant Classification Process June 2021. Collection method: clinical testing. Allele origin: germline. Affected: yes. Not counted in ClinVar's aggregate classification.
Comment: Not observed at a significant frequency in large population cohorts (Lek et al., 2016); In silico analysis, which includes splice predictors and evolutionary conservation, supports that this variant does not alter protein structure/function; Has not been previously published as pathogenic or benign to our knowledge